The following is an entry in ClinVar:

ClinVar aggregate classification (germline): Uncertain significance (0 of 4 stars; one submission).

Conditions:
LAMB2-related disorder. Also called: LAMB2-related condition.

Submission:

PreventionGenetics, part of Exact Sciences
Classification: Uncertain significance for LAMB2-related condition. Last evaluated: 2024-03-27. Review status: no assertion criteria provided. Collection method: clinical testing. Allele origin: germline.
Comment: The LAMB2 c.113A>C variant is predicted to result in the amino acid substitution p.Asp38Ala. To our knowledge, this variant has not been reported in the literature. This variant is reported in 0.0033% of alleles in individuals of South Asian descent in gnomAD. At this time, the clinical significance of this variant is uncertain due to the absence of conclusive functional and genetic evidence.

NM_002292.4(LAMB2):c.113A>C (p.Asp38Ala)

Gene: LAMB2 (laminin subunit beta 2; minus strand). Cytogenetic location: 3p21.31.
Variant type: single nucleotide variant.
Coding change: c.113A>C on transcript NM_002292.4 (MANE Select); coding-DNA position 113, A replaced by C.
Protein change: p.Asp38Ala; replaces aspartic acid 38 with alanine.
Molecular consequence: missense variant.
Genome position (GRCh38, 1-based): chr3:49,132,627, T>G on the plus strand (A>C on the coding strand, the complement: LAMB2 is on the minus strand). VCF-style: chr3-49132627-T-G. GRCh37 (hg19) VCF-style: chr3-49170060-T-G.
Other names: short protein forms D38A.
Identifiers: ClinVar variation 3357565 (VCV003357565.1).